The following is an entry in ClinVar:

NM_002114.4(HIVEP1):c.7202T>C (p.Val2401Ala)

Gene: HIVEP1 (HIVEP zinc finger 1; plus strand). Cytogenetic location: 6p24.1.
Variant type: single nucleotide variant.
Coding change: c.7202T>C on transcript NM_002114.4 (MANE Select); coding-DNA position 7202, T replaced by C.
Protein change: p.Val2401Ala; replaces valine 2401 with alanine.
Molecular consequence: missense variant.
Genome position (GRCh38, 1-based): chr6:12,163,506, T>C. VCF-style: chr6-12163506-T-C. GRCh37 (hg19) VCF-style: chr6-12163739-T-C.
Other names: short protein forms V2401A.
Identifiers: ClinVar variation 3044037 (VCV003044037.2), dbSNP rs75028515, ClinGen allele CA3638356.

ClinVar aggregate classification (germline): Likely benign (0 of 4 stars; one submission).

Conditions:
HIVEP1-related disorder. Also called: HIVEP1-related condition.

Allele frequency attached by ClinVar (database versions not stated): ESP Exome Variant Server 0.00144; TOPMed 0.00147; gnomAD 0.00152; ExAC 0.00154; 1000 Genomes Project 0.00160; 1000 Genomes Project 30x 0.00203; gnomAD exomes 0.00222.
gnomAD v4.1: 3,467 of 1,614,182 alleles (0.21%); highest among the groups gnomAD compares: Non-Finnish European, 0.27%; 10 homozygotes.

Submission:

PreventionGenetics, part of Exact Sciences
Classification: Likely benign for HIVEP1-related condition. Last evaluated: 2022-12-15. Review status: no assertion criteria provided. Collection method: clinical testing. Allele origin: germline.
Comment: This variant is classified as likely benign based on ACMG/AMP sequence variant interpretation guidelines (Richards et al. 2015 PMID: 25741868, with internal and published modifications).